The following is an entry in ClinVar:

NM_025081.3(NYNRIN):c.4610C>T (p.Pro1537Leu)

Gene: NYNRIN (NYN domain and retroviral integrase containing; plus strand). Cytogenetic location: 14q12.
Variant type: single nucleotide variant.
Coding change: c.4610C>T on transcript NM_025081.3 (MANE Select); coding-DNA position 4610, C replaced by T.
Protein change: p.Pro1537Leu; replaces proline 1537 with leucine.
Molecular consequence: missense variant.
Genome position (GRCh38, 1-based): chr14:24,416,359, C>T. VCF-style: chr14-24416359-C-T. GRCh37 (hg19) VCF-style: chr14-24885565-C-T.
Other names: short protein forms P1537L.
Identifiers: ClinVar variation 2703852 (VCV002703852.3), dbSNP rs1167734594, ClinGen allele CA389310611.

ClinVar aggregate classification (germline): Uncertain significance (1 of 4 stars; one submission).

gnomAD v4.1: 9 of 1,613,310 alleles (0.00056%); highest among the groups gnomAD compares: Non-Finnish European, 0.00076%; no homozygotes.

Submission:

Labcorp Genetics (formerly Invitae), Labcorp
Classification: Uncertain significance. Last evaluated: 2024-01-03. Review status: criteria provided, single submitter. Criteria: Invitae Variant Classification Sherloc (09022015). Collection method: clinical testing. Allele origin: germline.
Comment: This sequence change replaces proline, which is neutral and non-polar, with leucine, which is neutral and non-polar, at codon 1537 of the NYNRIN protein (p.Pro1537Leu). This variant is not present in population databases (gnomAD no frequency). This variant has not been reported in the literature in individuals affected with NYNRIN-related conditions. Experimental studies and prediction algorithms are not available or were not evaluated, and the functional significance of this variant is currently unknown. In summary, the available evidence is currently insufficient to determine the role of this variant in disease. Therefore, it has been classified as a Variant of Uncertain Significance.